The following is an entry in ClinVar:

NM_001110556.2(FLNA):c.5313+4C>T

Gene: FLNA (filamin A; minus strand). Cytogenetic location: Xq28.
Variant type: single nucleotide variant.
Coding change: c.5313+4C>T on transcript NM_001110556.2 (MANE Select); 4 bases into the intron after coding-DNA position 5313, C replaced by T.
Molecular consequence: intron variant.
Genome position (GRCh38, 1-based): chrX:154,354,612, G>A on the plus strand (C>T on the coding strand, the complement: FLNA is on the minus strand). VCF-style: chrX-154354612-G-A. GRCh37 (hg19) VCF-style: chrX-153582980-G-A.
Other names: p.?; c.5289+4C>T (NM_001456.4); c.5313+4C>T (NM_001110556.1).
Identifiers: ClinVar variation 213452 (VCV000213452.47), dbSNP rs377330443, ClinGen allele CA322024.

ClinVar aggregate classification (germline): Benign/Likely benign. Review status: criteria provided, multiple submitters, no conflicts (2 of 4 stars). 11 submissions from 11 submitters: Benign (3); Likely benign (5). 3 of the submissions do not count toward it. Last evaluated 2026-02-02.

Conditions:
Melnick-Needles syndrome (MNS). Also called: MELNICK-NEEDLES OSTEODYSPLASTY; Melnick-Needles Syndrome (FLNA-MNS); OSTEODYSPLASTY OF MELNICK AND NEEDLES. Identifiers: Orphanet 2484, MedGen C0025237, MONDO:0010650, OMIM 309350.
Heterotopia, periventricular, X-linked dominant (PVNH1). Also called: PERIVENTRICULAR NODULAR HETEROTOPIA 4; HETEROTOPIA, PERIVENTRICULAR, 1; X-linked periventricular heterotopia; PERIVENTRICULAR NODULAR HETEROTOPIA 1. Identifiers: Orphanet 2149, Orphanet 82004, MedGen C1848213, MONDO:0010233, OMIM 300049.
Oto-palato-digital syndrome, type II (OPD2). Also called: FACIOPALATOOSSEOUS SYNDROME; Otopalatodigital Syndrome, Type II; Otopalatodigital Syndrome Type 2 (FLNA-OPD2); OPD II SYNDROME. Identifiers: Orphanet 669, Orphanet 90652, MedGen C1844696, MONDO:0010571, OMIM 304120.
Frontometaphyseal dysplasia (FMD1). Identifiers: Orphanet 1826, MedGen C0265293, MONDO:0015942.
FLNA-related disorder.
Familial thoracic aortic aneurysm and aortic dissection (TAAD). Also called: Thoracic aortic aneurysms and dissections. Identifiers: Orphanet 91387, MedGen C4707243, MONDO:0019625.

Allele frequency attached by ClinVar (database versions not stated): ESP Exome Variant Server 0.00021; gnomAD exomes 0.00025 and 0.00044; TOPMed 0.00026; gnomAD 0.00028; ExAC 0.00031.
gnomAD v4.1: 504 of 1,195,884 alleles (0.042%); highest among the groups gnomAD compares: Non-Finnish European, 0.052%; no homozygotes.

Submissions (11):

Labcorp Genetics (formerly Invitae), Labcorp
Classification: Likely benign for Oto-palato-digital syndrome, type II; Heterotopia, periventricular, X-linked dominant; Frontometaphyseal dysplasia; Melnick-Needles syndrome. Last evaluated: 2026-02-02. Review status: criteria provided, single submitter. Criteria: Invitae Variant Classification Sherloc (09022015). Collection method: clinical testing. Allele origin: germline.

Mayo Clinic Laboratories, Mayo Clinic
Classification: Likely benign. Last evaluated: 2025-07-24. Review status: criteria provided, single submitter. Criteria: ACMG Guidelines, 2015. Collection method: clinical testing. Allele origin: germline. Observed: 7 variant alleles.
Comment: BS2, BP4, BP7

Blueprint Genetics
Classification: Likely benign. Last evaluated: 2024-11-06. Review status: criteria provided, single submitter. Criteria: ACMG Guidelines, 2015. Collection method: clinical testing. Allele origin: germline.

ARUP Laboratories, Molecular Genetics and Genomics, ARUP Laboratories
Classification: Likely benign. Last evaluated: 2024-07-02. Review status: criteria provided, single submitter. Criteria: ARUP Molecular Germline Variant Investigation Process 2024. Collection method: clinical testing. Allele origin: germline.

Women's Health and Genetics/Laboratory Corporation of America, LabCorp
Classification: Benign. Last evaluated: 2024-06-18. Review status: criteria provided, single submitter. Criteria: LabCorp Variant Classification Summary - May 2015. Collection method: clinical testing. Allele origin: germline.
Comment: Variant summary: FLNA c.5313+4C>T alters a non-conserved nucleotide located close to a canonical splice site and therefore could affect mRNA splicing, leading to a significantly altered protein sequence. Consensus agreement among computation tools predict no significant impact on normal splicing. However, these predictions have yet to be confirmed by functional studies. The variant allele was found at a frequency of 0.00025 in 149679 control chromosomes. The observed variant frequency is approximately 791 fold of the estimated maximal expected allele frequency for a pathogenic variant in FLNA causing Periventricular Nodular Heterotopia phenotype (3.1e-07). To our knowledge, no occurrence of c.5313+4C>T in individuals affected with Periventricular Nodular Heterotopia and no experimental evidence demonstrating its impact on protein function have been reported. ClinVar contains an entry for this variant (Variation ID: 213452). Based on the evidence outlined above, the variant was classified as benign.

CeGaT Center for Human Genetics Tuebingen
Classification: Likely benign. Last evaluated: 2022-08-01. Review status: criteria provided, single submitter. Criteria: CeGaT Center For Human Genetics Tuebingen Variant Classification Criteria Version 2. Collection method: clinical testing. Allele origin: germline. Affected: yes. Observed: 1 variant allele.
Comment: FLNA: BP4, BS2

Ambry Genetics
Classification: Benign for Familial thoracic aortic aneurysm and aortic dissection. Last evaluated: 2019-02-23. Review status: criteria provided, single submitter. Criteria: Ambry Variant Classification Scheme 2023. Collection method: clinical testing. Allele origin: germline.

GeneDx
Classification: Benign. Last evaluated: 2014-09-04. Review status: criteria provided, single submitter. Criteria: GeneDx Variant Classification (06012015). Collection method: clinical testing. Allele origin: germline. Affected: yes.
Comment: This variant is considered likely benign or benign based on one or more of the following criteria: it is a conservative change, it occurs at a poorly conserved position in the protein, it is predicted to be benign by multiple in silico algorithms, and/or has population frequency not consistent with disease.

PreventionGenetics, part of Exact Sciences
Classification: Likely benign for FLNA-related condition. Last evaluated: 2019-07-23. Review status: no assertion criteria provided. Collection method: clinical testing. Allele origin: germline. Not counted in ClinVar's aggregate classification.
Comment: This variant is classified as likely benign based on ACMG/AMP sequence variant interpretation guidelines (Richards et al. 2015 PMID: 25741868, with internal and published modifications).

Clinical Genetics DNA and cytogenetics Diagnostics Lab, Erasmus MC, Erasmus Medical Center
Classification: Likely benign. Review status: no assertion criteria provided. Collection method: clinical testing. Allele origin: germline. Affected: yes. Study: VKGL Data-share Consensus. Not counted in ClinVar's aggregate classification.

Laboratory of Diagnostic Genome Analysis, Leiden University Medical Center (LUMC)
Classification: Likely benign. Review status: no assertion criteria provided. Collection method: clinical testing. Allele origin: germline. Affected: yes. Study: VKGL Data-share Consensus. Not counted in ClinVar's aggregate classification.

Literature cited by the submitters: PubMed 37288276 (cited by Mayo Clinic Laboratories, Mayo Clinic).